The following is an entry in ClinVar:

ClinVar aggregate classification (germline): Uncertain significance (1 of 4 stars; one submission).

Submission:

GeneDx
Classification: Uncertain significance. Last evaluated: 2023-10-13. Review status: criteria provided, single submitter. Criteria: GeneDx Variant Classification Process June 2021. Collection method: clinical testing. Allele origin: germline. Affected: yes.
Comment: Has not been previously published as pathogenic or benign to our knowledge; Not observed at significant frequency in large population cohorts (gnomAD); In silico analysis supports that this missense variant has a deleterious effect on protein structure/function

NM_001348323.3(TRIP12):c.2045A>G (p.Gln682Arg)

Gene: TRIP12 (thyroid hormone receptor interactor 12; minus strand). Cytogenetic location: 2q36.3.
Variant type: single nucleotide variant.
Coding change: c.2045A>G on transcript NM_001348323.3 (MANE Select); coding-DNA position 2045, A replaced by G.
Protein change: p.Gln682Arg; replaces glutamine 682 with arginine.
Molecular consequence: missense variant.
Genome position (GRCh38, 1-based): chr2:229,811,146, T>C on the plus strand (A>G on the coding strand, the complement: TRIP12 is on the minus strand). VCF-style: chr2-229811146-T-C. GRCh37 (hg19) VCF-style: chr2-230675862-T-C.
Other names: c.2045A>G, p.Gln682Arg (NM_001284214.2, NM_001348315.2, NM_001348319.1 and 11 more transcripts); c.1919A>G, p.Gln640Arg (NM_001284215.2, NM_001348316.2, NM_001348317.1 and 2 more transcripts); c.1010A>G, p.Gln337Arg (NM_001284216.2); c.1958A>G, p.Gln653Arg (NM_001348332.1); c.1901A>G, p.Gln634Arg (NM_004238.3); short protein forms Q337R, Q634R, Q640R, Q653R, Q682R.
Identifiers: ClinVar variation 2663284 (VCV002663284.1), dbSNP rs2047152454, ClinGen allele CA350919801.